The following is an entry in ClinVar:

ClinVar aggregate classification (germline): Uncertain significance. Review status: criteria provided, multiple submitters, no conflicts (2 of 4 stars). 4 submissions from 4 submitters: Uncertain significance (2). 2 of the submissions do not count toward it. Last evaluated 2025-10-28.

Conditions:
Cardiomyopathy (CMYO). Also called: Cardiomyopathies. Identifiers: Orphanet 167848, MedGen C0878544, MONDO:0004994, HP:0001638. Inheritance: Various modes of inheritance.
Arrhythmogenic right ventricular dysplasia 9 (ARVD9). Also called: ARRHYTHMOGENIC RIGHT VENTRICULAR DYSPLASIA, FAMILIAL, 9; Arrhythmogenic Right Ventricular Dysplasia/Cardiomyopathy 9. Identifiers: MedGen C1836906, MONDO:0012180, OMIM 609040.

Allele frequency attached by ClinVar (database versions not stated): TOPMed below 0.00001.

Submissions (4):

Color Diagnostics, LLC DBA Color Health
Classification: Uncertain significance for Cardiomyopathy. Last evaluated: 2025-10-28. Review status: criteria provided, single submitter. Criteria: ACMG Guidelines, 2015. Collection method: clinical testing. Allele origin: germline.
Comment: This missense variant replaces glutamic acid with lysine at codon 522 of the PKP2 protein. Computational prediction suggests that this variant may not impact protein structure and function. To our knowledge, functional studies have not been reported for this variant. This variant has not been reported in individuals affected with PKP2-related disorders in the literature. This variant has not been identified in the general population by the Genome Aggregation Database (gnomAD). The available evidence is insufficient to determine the role of this variant in disease conclusively. Therefore, this variant is classified as a Variant of Uncertain Significance.

Labcorp Genetics (formerly Invitae), Labcorp
Classification: Uncertain significance for Arrhythmogenic right ventricular dysplasia 9. Last evaluated: 2025-10-20. Review status: criteria provided, single submitter. Criteria: Invitae Variant Classification Sherloc (09022015). Collection method: clinical testing. Allele origin: germline.
Comment: This sequence change replaces glutamic acid, which is acidic and polar, with lysine, which is basic and polar, at codon 522 of the PKP2 protein (p.Glu522Lys). This variant is not present in population databases (gnomAD no frequency). This variant has not been reported in the literature in individuals affected with PKP2-related conditions. ClinVar contains an entry for this variant (Variation ID: 968623). An algorithm developed to predict the effect of missense changes on protein structure and function (PolyPhen-2) suggests that this variant is likely to be disruptive. In summary, the available evidence is currently insufficient to determine the role of this variant in disease. Therefore, it has been classified as a Variant of Uncertain Significance.

Clinical Genetics DNA and cytogenetics Diagnostics Lab, Erasmus MC, Erasmus Medical Center
Classification: Uncertain significance. Review status: no assertion criteria provided. Collection method: clinical testing. Allele origin: germline. Affected: yes. Study: VKGL Data-share Consensus. Not counted in ClinVar's aggregate classification.

Clinical Genetics, Academic Medical Center
Classification: Uncertain significance. Review status: no assertion criteria provided. Collection method: clinical testing. Allele origin: germline. Affected: yes. Study: VKGL Data-share Consensus. Not counted in ClinVar's aggregate classification.

NM_001005242.3(PKP2):c.1432G>A (p.Glu478Lys)

Gene: PKP2 (plakophilin 2; minus strand). Cytogenetic location: 12p11.21.
Variant type: single nucleotide variant.
Coding change: c.1432G>A on transcript NM_001005242.3 (MANE Select); coding-DNA position 1432, G replaced by A.
Protein change: p.Glu478Lys; replaces glutamic acid 478 with lysine.
Molecular consequence: missense variant.
Genome position (GRCh38, 1-based): chr12:32,841,152, C>T on the plus strand (G>A on the coding strand, the complement: PKP2 is on the minus strand). VCF-style: chr12-32841152-C-T. GRCh37 (hg19) VCF-style: chr12-32994086-C-T.
Other names: c.1564G>A, p.Glu522Lys (NM_004572.4); short protein forms E522K, E478K.
Identifiers: ClinVar variation 968623 (VCV000968623.12), dbSNP rs1956588010, ClinGen allele CA384367934.